The following is an entry in ClinVar:

ClinVar aggregate classification (germline): Uncertain significance (1 of 4 stars; one submission).

Conditions:
Hyper-IgE recurrent infection syndrome 4A, autosomal dominant (HIES4A). Also called: HYPER-IgE SYNDROME 4A, AUTOSOMAL DOMINANT, WITH RECURRENT INFECTIONS. Identifiers: MedGen C5676920, MONDO:0800131, OMIM 619752.

Submission:

Neuberg Centre For Genomic Medicine, NCGM
Classification: Uncertain significance for Hyper-IgE recurrent infection syndrome 4A, autosomal dominant. Last evaluated: 2023-06-22. Review status: criteria provided, single submitter. Criteria: ACMG Guidelines, 2015. Collection method: clinical testing. Allele origin: germline. Inheritance: Autosomal dominant inheritance. Affected: yes.
Comment: The observed missense variant c.680A>T(p.Asn227Ile) in IL6ST gene has not been reported previously as a pathogenic variant nor as a benign variant, to our knowledge. This variant is absent in gnomAD Exomes. The amino acid Asn at position 227 is changed to a Ile changing protein sequence and it might alter its composition and physico-chemical properties. The reference amino acid p.Asn227Ile in IL6ST is predicted as conserved by GERP++ and PhyloP across 100 vertebrates. Computational evidence (PolyphenBenign, SIFT-Tolerated and MutationTaster-disease causing) predicts conflicting evidence on protein structure and function for this variant. For these reasons, this variant has been classified as Uncertain Significance.

NM_002184.4(IL6ST):c.680A>T (p.Asn227Ile)

Gene: IL6ST (interleukin 6 cytokine family signal transducer; minus strand). Cytogenetic location: 5q11.2.
Variant type: single nucleotide variant.
Coding change: c.680A>T on transcript NM_002184.4 (MANE Select); coding-DNA position 680, A replaced by T.
Protein change: p.Asn227Ile; replaces asparagine 227 with isoleucine.
Molecular consequence: missense variant. On other transcripts: 5 prime UTR variant (3), non-coding transcript variant (2).
Genome position (GRCh38, 1-based): chr5:55,963,485, T>A on the plus strand (A>T on the coding strand, the complement: IL6ST is on the minus strand). VCF-style: chr5-55963485-T-A. GRCh37 (hg19) VCF-style: chr5-55259313-T-A.
Other names: c.680A>T, p.Asn227Ile (NM_001190981.2, NM_001364275.2, NM_175767.3); c.470A>T, p.Asn157Ile (NM_001364276.2); c.-234A>T (NM_001364277.2, NM_001364279.2); c.-224A>T (NM_001364278.2); short protein forms N157I, N227I.
Identifiers: ClinVar variation 3731520 (VCV003731520.1).
Genomic context (GRCh38, chr5:55,963,485, plus strand): 5'-GGGTTGGTCCATGTCAATTTTAAGATACTAGACAGTTCCTCTGAGTTGATCACTGATAAA[T>A]TATGTGGCGGATTGGGCTTCACTGAAAAATAAAATAAATCCTAAGGTTTATTATGTTTTC-3'
Protein context (NP_002175.2, residues 217-237): VYKVKPNPPH[Asn227Ile]LSVINSEELS